The following is an entry in ClinVar:

ClinVar aggregate classification (germline): Uncertain significance. Review status: criteria provided, multiple submitters, no conflicts (2 of 4 stars). 2 submissions from 2 submitters: Uncertain significance (2). Last evaluated 2025-10-02.

Conditions:
Linear skin defects with multiple congenital anomalies 2 (LSDMCA2). Identifiers: Orphanet 2556, MedGen C3550921, MONDO:0010474, OMIM 300887.

Allele frequency attached by ClinVar (database versions not stated): gnomAD exomes 0.00002; ExAC 0.00001; gnomAD 0.00001; TOPMed 0.00004.

Submissions (2):

Labcorp Genetics (formerly Invitae), Labcorp
Classification: Uncertain significance. Last evaluated: 2025-10-02. Review status: criteria provided, single submitter. Criteria: Invitae Variant Classification Sherloc (09022015). Collection method: clinical testing. Allele origin: germline.
Comment: This sequence change replaces arginine, which is basic and polar, with histidine, which is basic and polar, at codon 29 of the COX7B protein (p.Arg29His). This variant is present in population databases (rs782685682, gnomAD 0.01%). This variant has not been reported in the literature in individuals affected with COX7B-related conditions. ClinVar contains an entry for this variant (Variation ID: 1029387). An algorithm developed to predict the effect of missense changes on protein structure and function (PolyPhen-2) suggests that this variant is likely to be tolerated. In summary, the available evidence is currently insufficient to determine the role of this variant in disease. Therefore, it has been classified as a Variant of Uncertain Significance.

Baylor Genetics
Classification: Uncertain significance for Linear skin defects with multiple congenital anomalies 2. Last evaluated: 2020-04-23. Review status: criteria provided, single submitter. Criteria: ACMG Guidelines, 2015. Collection method: clinical testing. Allele origin: unknown. Affected: yes.
Comment: This variant was determined to be of uncertain significance according to ACMG Guidelines, 2015 [PMID:25741868].

NM_001866.3(COX7B):c.86G>A (p.Arg29His)

Gene: COX7B (cytochrome c oxidase subunit 7B; plus strand). Cytogenetic location: Xq21.1.
Variant type: single nucleotide variant.
Coding change: c.86G>A on transcript NM_001866.3 (MANE Select); coding-DNA position 86, G replaced by A.
Protein change: p.Arg29His; replaces arginine 29 with histidine.
Molecular consequence: missense variant.
Genome position (GRCh38, 1-based): chrX:77,902,688, G>A. VCF-style: chrX-77902688-G-A. GRCh37 (hg19) VCF-style: chrX-77158185-G-A.
Other names: short protein forms R29H.
Identifiers: ClinVar variation 1029387 (VCV001029387.4), dbSNP rs782685682, ClinGen allele CA10458677.
Genomic context (GRCh38, chrX:77,902,688, plus strand): 5'-TCGTTTTCCTGTAAGTTCGAAGCATTCAGCAAACAATGGCAAGGCAGAGCCACCAGAAAC[G>A]TACACCTGATTTTCATGACAAATACGGTAATGCTGTATTAGCTAGTGGAGCCACTTTCTG-3'
Protein context (NP_001857.1, residues 19-39): QTMARQSHQK[Arg29His]TPDFHDKYGN